The following is an entry in ClinVar:

NM_000302.4(PLOD1):c.2082G>T (p.Lys694Asn)

Gene: PLOD1 (procollagen-lysine,2-oxoglutarate 5-dioxygenase 1; plus strand). Cytogenetic location: 1p36.22.
Variant type: single nucleotide variant.
Coding change: c.2082G>T on transcript NM_000302.4 (MANE Select); coding-DNA position 2082, G replaced by T.
Protein change: p.Lys694Asn; replaces lysine 694 with asparagine.
Molecular consequence: missense variant.
Genome position (GRCh38, 1-based): chr1:11,974,706, G>T. VCF-style: chr1-11974706-G-T. GRCh37 (hg19) VCF-style: chr1-12034763-G-T.
Other names: c.2223G>T, p.Lys741Asn (NM_001316320.2); short protein forms K694N, K741N.
Identifiers: ClinVar variation 3231130 (VCV003231130.1), dbSNP rs1645891475, ClinGen allele CA338453591.

ClinVar aggregate classification (germline): Uncertain significance (1 of 4 stars; one submission).

Conditions:
Familial thoracic aortic aneurysm and aortic dissection (TAAD). Also called: Thoracic aortic aneurysms and dissections. Identifiers: Orphanet 91387, MedGen C4707243, MONDO:0019625.

Submission:

Ambry Genetics
Classification: Uncertain significance for Familial thoracic aortic aneurysm and aortic dissection. Last evaluated: 2024-03-02. Review status: criteria provided, single submitter. Criteria: Ambry Variant Classification Scheme 2023. Collection method: clinical testing. Allele origin: germline.
Comment: The p.K694N variant (also known as c.2082G>T), located in coding exon 19 of the PLOD1 gene, results from a G to T substitution at nucleotide position 2082. The lysine at codon 694 is replaced by asparagine, an amino acid with similar properties. This amino acid position is conserved. In addition, this alteration is predicted to be tolerated by in silico analysis. Based on the available evidence, the clinical significance of this alteration remains unclear.